The following is an entry in ClinVar:

ClinVar aggregate classification (germline): Uncertain significance (1 of 4 stars; one submission).

Submission:

GeneDx
Classification: Uncertain significance. Last evaluated: 2025-07-06. Review status: criteria provided, single submitter. Criteria: GeneDx Variant Classification Process June 2021. Collection method: clinical testing. Allele origin: germline. Affected: yes.
Comment: Not observed at significant frequency in large population cohorts (gnomAD); In silico analysis supports that this missense variant has a deleterious effect on protein structure/function; Has not been previously published as pathogenic or benign to our knowledge

NM_001009944.3(PKD1):c.4216C>T (p.Pro1406Ser)

Gene: PKD1 (polycystin 1, transient receptor potential channel interacting; minus strand). Cytogenetic location: 16p13.3.
Variant type: single nucleotide variant.
Coding change: c.4216C>T on transcript NM_001009944.3 (MANE Select); coding-DNA position 4216, C replaced by T.
Protein change: p.Pro1406Ser; replaces proline 1406 with serine.
Molecular consequence: missense variant.
Genome position (GRCh38, 1-based): chr16:2,110,951, G>A on the plus strand (C>T on the coding strand, the complement: PKD1 is on the minus strand). VCF-style: chr16-2110951-G-A. GRCh37 (hg19) VCF-style: chr16-2160952-G-A.
Other names: c.4216C>T, p.Pro1406Ser (NM_000296.4); short protein forms P1406S.
Identifiers: ClinVar variation 4685150 (VCV004685150.1).